The following is an entry in ClinVar:

NM_006516.4(SLC2A1):c.907G>T (p.Val303Leu)

Gene: SLC2A1 (solute carrier family 2 member 1; minus strand). Cytogenetic location: 1p34.2.
Variant type: single nucleotide variant.
Coding change: c.907G>T on transcript NM_006516.4 (MANE Select); coding-DNA position 907, G replaced by T.
Protein change: p.Val303Leu; replaces valine 303 with leucine.
Molecular consequence: missense variant.
Genome position (GRCh38, 1-based): chr1:42,929,275, C>A on the plus strand (G>T on the coding strand, the complement: SLC2A1 is on the minus strand). VCF-style: chr1-42929275-C-A. GRCh37 (hg19) VCF-style: chr1-43394946-C-A.
Other names: short protein forms V303L.
Identifiers: ClinVar variation 449349 (VCV000449349.53), dbSNP rs1205631854, ClinGen allele CA339956762.

ClinVar aggregate classification (germline): Uncertain significance. Review status: criteria provided, multiple submitters, no conflicts (2 of 4 stars). 8 submissions from 4 submitters: Uncertain significance (8). Last evaluated 2025-06-01.

Conditions:
Dystonia 9 (DYT9). Also called: CHOREOATHETOSIS, KINESIGENIC, WITH EPISODIC ATAXIA AND SPASTICITY. Identifiers: Orphanet 53583, MedGen C1832855, MONDO:0010983, OMIM 601042.
Epilepsy, idiopathic generalized, susceptibility to, 12 (EIG12). Identifiers: MedGen C3553859, MONDO:0013919, OMIM 614847.
Childhood onset GLUT1 deficiency syndrome 2. Also called: PxMD-SLC2A1; Exertion-induced paroxysmal dyskinesia; PAROXYSMAL EXERCISE-INDUCED DYSKINESIA WITH OR WITHOUT EPILEPSY AND/OR HEMOLYTIC ANEMIA; PAROXYSMAL EXERTION-INDUCED DYSTONIA WITH OR WITHOUT EPILEPSY AND/OR HEMOLYTIC ANEMIA; PED WITH OR WITHOUT EPILEPSY AND/OR HEMOLYTIC ANEMIA; GLUT1 deficiency syndrome 2. Identifiers: Orphanet 98811, MedGen C1842534, MONDO:0012805, OMIM 612126.
Encephalopathy due to GLUT1 deficiency. Also called: GLUT1 deficiency syndrome 1, infantile onset, severe; De Vivo disease; GLUCOSE TRANSPORT DEFECT, BLOOD-BRAIN BARRIER; Glucose transporter protein syndrome; GLUT1 deficiency syndrome 1; Classic Glucose Transporter Type 1 Deficiency Syndrome. Identifiers: Orphanet 71277, MedGen C4551966, MONDO:0011724, OMIM 606777.
GLUT1 deficiency syndrome 1, autosomal recessive. Identifiers: MedGen C3149117.
Hereditary cryohydrocytosis with reduced stomatin. Also called: Stomatin-deficient cryohydrocytosis with neurologic defects; GLUT1 DEFICIENCY SYNDROME WITH PSEUDOHYPERKALEMIA AND HEMOLYSIS. Identifiers: Orphanet 168577, MedGen C1837206, MONDO:0012143, OMIM 608885.

Allele frequency attached by ClinVar (database versions not stated): gnomAD exomes below 0.00001; TOPMed below 0.00001; gnomAD 0.00001.
gnomAD v4.1: 2 of 1,613,754 alleles (0.00012%); highest among the groups gnomAD compares: Non-Finnish European, 0.00017%; no homozygotes.

Submissions (8):

CeGaT Center for Human Genetics Tuebingen
Classification: Uncertain significance. Last evaluated: 2025-06-01. Review status: criteria provided, single submitter. Criteria: CeGaT Center For Human Genetics Tuebingen Variant Classification Criteria Version 2. Collection method: clinical testing. Allele origin: germline. Affected: yes. Observed: 2 variant alleles.
Comment: SLC2A1: PM2

Labcorp Genetics (formerly Invitae), Labcorp
Classification: Uncertain significance for GLUT1 deficiency syndrome 1, autosomal recessive. Last evaluated: 2024-12-08. Review status: criteria provided, single submitter. Criteria: Invitae Variant Classification Sherloc (09022015). Collection method: clinical testing. Allele origin: germline.
Comment: This sequence change replaces valine, which is neutral and non-polar, with leucine, which is neutral and non-polar, at codon 303 of the SLC2A1 protein (p.Val303Leu). This variant is present in population databases (no rsID available, gnomAD 0.002%). This missense change has been observed in individual(s) with clinical features of GLUT1-related conditions (PMID: 20129935, 31069529). ClinVar contains an entry for this variant (Variation ID: 449349). Invitae Evidence Modeling incorporating data from in vitro experimental studies (internal data) did not meet the statistical confidence thresholds required to predict the impact of this variant on SLC2A1 function. In summary, the available evidence is currently insufficient to determine the role of this variant in disease. Therefore, it has been classified as a Variant of Uncertain Significance.

Genome-Nilou Lab
Classification: Uncertain significance for Epilepsy, idiopathic generalized, susceptibility to, 12. Last evaluated: 2023-04-11. Review status: criteria provided, single submitter. Criteria: ACMG Guidelines, 2015. Collection method: clinical testing. Allele origin: germline. Affected: no.

Genome-Nilou Lab
Classification: Uncertain significance for Dystonia 9. Last evaluated: 2023-04-11. Review status: criteria provided, single submitter. Criteria: ACMG Guidelines, 2015. Collection method: clinical testing. Allele origin: germline. Affected: no.

Genome-Nilou Lab
Classification: Uncertain significance for Encephalopathy due to GLUT1 deficiency. Last evaluated: 2023-04-11. Review status: criteria provided, single submitter. Criteria: ACMG Guidelines, 2015. Collection method: clinical testing. Allele origin: germline. Affected: no.

Genome-Nilou Lab
Classification: Uncertain significance for Childhood onset GLUT1 deficiency syndrome 2. Last evaluated: 2023-04-11. Review status: criteria provided, single submitter. Criteria: ACMG Guidelines, 2015. Collection method: clinical testing. Allele origin: germline. Affected: no.

Genome-Nilou Lab
Classification: Uncertain significance for Hereditary cryohydrocytosis with reduced stomatin. Last evaluated: 2023-04-11. Review status: criteria provided, single submitter. Criteria: ACMG Guidelines, 2015. Collection method: clinical testing. Allele origin: germline. Affected: no.

GeneDx
Classification: Uncertain significance. Last evaluated: 2022-11-30. Review status: criteria provided, single submitter. Criteria: GeneDx Variant Classification Process June 2021. Collection method: clinical testing. Allele origin: germline. Affected: yes.
Comment: Identified in an individual with epilepsy and in an individual referred for SLC2A1 sequencing in the literature, although no additional clinical or segregation information is available (Ganapathy et al., 2019; Leen et al., 2010); Observed in at least one heterozygous clinically unaffected adult relative of an individual referred for genetic testing at GeneDx; In silico analysis supports that this missense variant does not alter protein structure/function; This variant is associated with the following publications: (PMID: 24847886, 31069529, 20129935)

Literature cited by the submitters: PubMed 20129935 (cited by Labcorp Genetics (formerly Invitae), Labcorp); PubMed 31069529 (cited by Labcorp Genetics (formerly Invitae), Labcorp).